The following is an entry in ClinVar:

NM_031844.3(HNRNPU):c.592G>T (p.Val198Leu)

Gene: HNRNPU (heterogeneous nuclear ribonucleoprotein U; minus strand). Cytogenetic location: 1q44.
Variant type: single nucleotide variant.
Coding change: c.592G>T on transcript NM_031844.3 (MANE Select); coding-DNA position 592, G replaced by T.
Protein change: p.Val198Leu; replaces valine 198 with leucine.
Molecular consequence: missense variant.
Genome position (GRCh38, 1-based): chr1:244,863,716, C>A on the plus strand (G>T on the coding strand, the complement: HNRNPU is on the minus strand). VCF-style: chr1-244863716-C-A. GRCh37 (hg19) VCF-style: chr1-245027018-C-A.
Other names: c.592G>T, p.Val198Leu (NM_004501.3); short protein forms V198L.
Identifiers: ClinVar variation 1750563 (VCV001750563.2), dbSNP rs1680920794, ClinGen allele CA345496419.

ClinVar aggregate classification (germline): Uncertain significance (1 of 4 stars; one submission).

Conditions:
Inborn genetic diseases. Identifiers: MedGen C0950123, MeSH D030342.

Submission:

Ambry Genetics
Classification: Uncertain significance for Inborn genetic diseases. Last evaluated: 2018-03-10. Review status: criteria provided, single submitter. Criteria: Ambry Variant Classification Scheme 2023. Collection method: clinical testing. Allele origin: germline.
Comment: The p.V198L variant (also known as c.592G>T), located in coding exon 1 of the HNRNPU gene, results from a G to T substitution at nucleotide position 592. The valine at codon 198 is replaced by leucine, an amino acid with highly similar properties. This amino acid position is well conserved in available vertebrate species. In addition, this alteration is predicted to be tolerated by in silico analysis. Since supporting evidence is limited at this time, the clinical significance of this alteration remains unclear.